The following is an entry in ClinVar:

NM_002095.6(GTF2E2):c.103T>A (p.Ser35Thr)

Gene: GTF2E2 (general transcription factor IIE subunit 2; minus strand). Cytogenetic location: 8p12.
Variant type: single nucleotide variant.
Coding change: c.103T>A on transcript NM_002095.6 (MANE Select); coding-DNA position 103, T replaced by A.
Protein change: p.Ser35Thr; replaces serine 35 with threonine.
Molecular consequence: missense variant.
Genome position (GRCh38, 1-based): chr8:30,653,496, A>T on the plus strand (T>A on the coding strand, the complement: GTF2E2 is on the minus strand). VCF-style: chr8-30653496-A-T. GRCh37 (hg19) VCF-style: chr8-30511013-A-T.
Other names: c.103T>A, p.Ser35Thr (NM_001348353.1); short protein forms S35T.
Identifiers: ClinVar variation 1361940 (VCV001361940.6), dbSNP rs773425049, ClinGen allele CA174442259.

ClinVar aggregate classification (germline): Uncertain significance (1 of 4 stars; one submission).

Allele frequency attached by ClinVar (database versions not stated): gnomAD exomes below 0.00001; TOPMed 0.00001.
gnomAD v4.1: 1 of 1,608,504 alleles (0.000062%); highest among the groups gnomAD compares: Non-Finnish European, 0.000085%; no homozygotes.

Submission:

Labcorp Genetics (formerly Invitae), Labcorp
Classification: Uncertain significance. Last evaluated: 2022-07-25. Review status: criteria provided, single submitter. Criteria: Invitae Variant Classification Sherloc (09022015). Collection method: clinical testing. Allele origin: germline.
Comment: This sequence change replaces serine, which is neutral and polar, with threonine, which is neutral and polar, at codon 35 of the GTF2E2 protein (p.Ser35Thr). This variant has not been reported in the literature in individuals affected with GTF2E2-related conditions. ClinVar contains an entry for this variant (Variation ID: 1361940). Algorithms developed to predict the effect of missense changes on protein structure and function (SIFT, PolyPhen-2, Align-GVGD) all suggest that this variant is likely to be tolerated. In summary, the available evidence is currently insufficient to determine the role of this variant in disease. Therefore, it has been classified as a Variant of Uncertain Significance. This variant is not present in population databases (gnomAD no frequency).